The following is an entry in ClinVar:

NM_018116.4(MSTO1):c.337C>G (p.Pro113Ala)

Gene: MSTO1 (misato mitochondrial distribution and morphology regulator 1; plus strand). Cytogenetic location: 1q22.
Variant type: single nucleotide variant.
Coding change: c.337C>G on transcript NM_018116.4 (MANE Select); coding-DNA position 337, C replaced by G.
Protein change: p.Pro113Ala; replaces proline 113 with alanine.
Molecular consequence: missense variant. On other transcripts: 5 prime UTR variant (13), non-coding transcript variant (5).
Genome position (GRCh38, 1-based): chr1:155,611,262, C>G. VCF-style: chr1-155611262-C-G. GRCh37 (hg19) VCF-style: chr1-155581053-C-G.
Other names: c.337C>G, p.Pro113Ala (NM_001256532.1, NM_001256533.1, NM_001350772.1 and 3 more transcripts); c.50C>G, p.Pro17Arg (NM_001350776.1); c.-220C>G (NM_001350777.1, NM_001350779.1); c.-284C>G (NM_001350778.1); c.-336C>G (NM_001350780.1, NM_001350781.1); c.-262C>G (NM_001350782.1, NM_001350783.1, NM_001350786.1 and 1 more transcripts); c.-269C>G (NM_001350784.1, NM_001350787.1); c.-333C>G (NM_001350785.1, NM_001350789.1); short protein forms P113A, P17R.
Identifiers: ClinVar variation 3067365 (VCV003067365.21), dbSNP rs533491778, ClinGen allele CA1147856.
Genomic context (GRCh38, chr1:155,611,262, plus strand): 5'-CCAAACTCTTTCAGGCAGGGGAAGCTCACCACACACAAAGAGGAACTCTATCCCAAGAAC[C>G]CTTATCTCCAAGACTTTCTGAGTGCAGAGGTGAGGGCCTCTGTCCTGAACTTTTTAACCC-3'
Protein context (NP_060586.2, residues 103-123): THKEELYPKN[Pro113Ala]YLQDFLSAEG

ClinVar aggregate classification (germline): Uncertain significance (1 of 4 stars; one submission).

Allele frequency attached by ClinVar (database versions not stated): TOPMed 0.00001; gnomAD 0.00009; gnomAD exomes 0.00013; 1000 Genomes Project 30x 0.00031; ExAC 0.00039; 1000 Genomes Project 0.00040.
gnomAD v4.1: 210 of 1,611,068 alleles (0.013%); highest among the groups gnomAD compares: South Asian, 0.21%; 2 homozygotes.

Submission:

CeGaT Center for Human Genetics Tuebingen
Classification: Uncertain significance. Last evaluated: 2024-03-01. Review status: criteria provided, single submitter. Criteria: CeGaT Center For Human Genetics Tuebingen Variant Classification Criteria Version 2. Collection method: clinical testing. Allele origin: germline. Affected: yes. Observed: 1 variant allele.
Comment: MSTO1: PP2, BP4